The following is an entry in ClinVar:

ClinVar aggregate classification (germline): Conflicting classifications of pathogenicity. Review status: criteria provided, conflicting classifications (1 of 4 stars). 2 submissions from 2 submitters: Likely pathogenic (1); Uncertain significance (1). Last evaluated 2025-01-08.

Conditions:
Long QT syndrome (LQTS). Identifiers: MedGen C0023976, MeSH D008133, MONDO:0002442. Disease mechanism: loss of function. Inheritance: Various modes of inheritance.
Long QT syndrome 1 (LQT1). Identifiers: Orphanet 101016, Orphanet 768, MedGen C4551647, MONDO:0100316, OMIM 192500, MONDO:0008646.

gnomAD v4.1: 1 of 1,612,500 alleles (0.000062%); highest among the groups gnomAD compares: Non-Finnish European, 0.000085%; no homozygotes.

Submissions (2):

Molecular Genetics Laboratory, Motol Hospital
Classification: Likely pathogenic for Long QT syndrome 1. Last evaluated: 2025-01-08. Review status: criteria provided, single submitter. Criteria: ACMG Guidelines, 2015. Collection method: clinical testing. Allele origin: germline. Affected: yes. Observed: 1 variant allele.
Comment: missense variant located in a mutational hotspot (PM1), rare variant not present in gnomAD population (v4.1.0) (PM2), in silico prediction tools support the deleterious effect of this missense variant on the protein (PP3), different amino acid change is a known pathogenic variant -(ClinVar Variation ID: 53066 - c.560T>C); ACMG PM1, PM2, PP3, PM5

Labcorp Genetics (formerly Invitae), Labcorp
Classification: Uncertain significance for Long QT syndrome. Last evaluated: 2019-05-30. Review status: criteria provided, single submitter. Criteria: Invitae Variant Classification Sherloc (09022015). Collection method: clinical testing. Allele origin: germline.
Comment: Algorithms developed to predict the effect of missense changes on protein structure and function are either unavailable or do not agree on the potential impact of this missense change (SIFT: "Deleterious"; PolyPhen-2: "Possibly Damaging"; Align-GVGD: "Class C0"). This variant has been observed in an individual with clinical features of long QT syndrome (Invitae). This variant is not present in population databases (ExAC no frequency). This sequence change replaces leucine with arginine at codon 187 of the KCNQ1 protein (p.Leu187Arg). The leucine residue is weakly conserved and there is a moderate physicochemical difference between leucine and arginine. This variant disrupts the p.Leu187 amino acid residue in KCNQ1. Other variant(s) that disrupt this residue have been determined to be pathogenic (PMID: 18808722). This suggests that this residue is clinically significant, and that variants that disrupt this residue are likely to be disease-causing. In summary, the available evidence is currently insufficient to determine the role of this variant in disease. Therefore, it has been classified as a Variant of Uncertain Significance.

Literature cited by the submitters: PubMed 18808722 (cited by Labcorp Genetics (formerly Invitae), Labcorp).

NM_000218.3(KCNQ1):c.560T>G (p.Leu187Arg)

Gene: KCNQ1 (potassium voltage-gated channel subfamily Q member 1; plus strand). Cytogenetic location: 11p15.5.
Variant type: single nucleotide variant.
Coding change: c.560T>G on transcript NM_000218.3 (MANE Select); coding-DNA position 560, T replaced by G.
Protein change: p.Leu187Arg; replaces leucine 187 with arginine.
Molecular consequence: missense variant.
Genome position (GRCh38, 1-based): chr11:2,570,710, T>G. VCF-style: chr11-2570710-T-G. GRCh37 (hg19) VCF-style: chr11-2591940-T-G.
Other names: c.560T>G, p.Leu187Arg (NM_001406836.1); c.290T>G, p.Leu97Arg (NM_001406837.1); c.179T>G, p.Leu60Arg (NM_181798.2); short protein forms L187R, L60R, L97R.
Identifiers: ClinVar variation 843851 (VCV000843851.13), dbSNP rs199473399, ClinGen allele CA379129943.